The following is an entry in ClinVar:

NM_006180.6(NTRK2):c.2291C>T (p.Thr764Ile)

Gene: NTRK2 (neurotrophic receptor tyrosine kinase 2; plus strand). Cytogenetic location: 9q21.33.
Variant type: single nucleotide variant.
Coding change: c.2291C>T on transcript NM_006180.6 (MANE Select); coding-DNA position 2291, C replaced by T.
Protein change: p.Thr764Ile; replaces threonine 764 with isoleucine.
Molecular consequence: missense variant.
Genome position (GRCh38, 1-based): chr9:85,020,324, C>T. VCF-style: chr9-85020324-C-T. GRCh37 (hg19) VCF-style: chr9-87635239-C-T.
Other names: c.2243C>T, p.Thr748Ile (NM_001018064.3, NM_001369532.1, NM_001369533.1); c.2207C>T, p.Thr736Ile (NM_001369534.1); c.1775C>T, p.Thr592Ile (NM_001369535.1); c.1823C>T, p.Thr608Ile (NM_001369536.1); short protein forms T592I, T608I, T736I, T748I, T764I.
Identifiers: ClinVar variation 4995824 (VCV004995824.1).

ClinVar aggregate classification (germline): Uncertain significance (1 of 4 stars; one submission).

Conditions:
NTRK2-related disorder. Also called: NTRK2-related condition.

Submission:

PreventionGenetics, part of Exact Sciences
Classification: Uncertain significance for NTRK2-related condition. Last evaluated: 2026-06-03. Review status: criteria provided, single submitter. Criteria: ACMG Guidelines, 2015. Collection method: clinical testing. Allele origin: germline.
Comment: The NTRK2 c.2291C>T variant is predicted to result in the amino acid substitution p.Thr764Ile. To our knowledge, this variant has not been reported in the literature or in a large population database (gnomAD), indicating this variant is rare. At this time, the clinical significance of this variant is uncertain due to the absence of conclusive functional and genetic evidence.